The following is an entry in ClinVar:

ClinVar aggregate classification (germline): Uncertain significance. Review status: criteria provided, multiple submitters, no conflicts (2 of 4 stars). 3 submissions from 3 submitters: Uncertain significance (3). Last evaluated 2024-05-29.

Conditions:
Hereditary cancer-predisposing syndrome. Also called: Hereditary Cancer Syndrome; Neoplastic Syndromes, Hereditary; Tumor predisposition; Hereditary neoplastic syndrome. Identifiers: Orphanet 140162, MedGen C0027672, MeSH D009386, MONDO:0015356.
Familial cancer of breast. Also called: Hereditary breast cancer; hereditary breast carcinoma; BREAST CANCER, FAMILIAL. Identifiers: Orphanet 227535, MedGen C0346153, MONDO:0016419, OMIM 114480. Disease mechanism: loss of function.
Ataxia-telangiectasia syndrome (AT). Also called: Ataxia telangiectasia (A-T); Ataxia-telangiectasia, complementation group E; LOUIS-BAR SYNDROME; Cerebello-oculocutaneous telangiectasia; Immunodeficiency with ataxia telangiectasia; Ataxia-telangiectasia, complementation group D. Identifiers: Orphanet 100, MedGen C0004135, MONDO:0008840, OMIM 208900.

Allele frequency attached by ClinVar (database versions not stated): gnomAD exomes below 0.00001.
gnomAD v4.1: 1 of 1,613,994 alleles (0.000062%); highest among the groups gnomAD compares: Non-Finnish European, 0.000085%; no homozygotes.

Submissions (3):

Labcorp Genetics (formerly Invitae), Labcorp
Classification: Uncertain significance for Ataxia-telangiectasia syndrome. Last evaluated: 2024-05-29. Review status: criteria provided, single submitter. Criteria: Invitae Variant Classification Sherloc (09022015). Collection method: clinical testing. Allele origin: germline.
Comment: This sequence change replaces tyrosine, which is neutral and polar, with cysteine, which is neutral and slightly polar, at codon 1844 of the ATM protein (p.Tyr1844Cys). This variant is not present in population databases (gnomAD no frequency). This variant has not been reported in the literature in individuals affected with ATM-related conditions. ClinVar contains an entry for this variant (Variation ID: 231021). An algorithm developed to predict the effect of missense changes on protein structure and function (PolyPhen-2) suggests that this variant is likely to be disruptive. In summary, the available evidence is currently insufficient to determine the role of this variant in disease. Therefore, it has been classified as a Variant of Uncertain Significance.

Baylor Genetics
Classification: Uncertain significance for Familial cancer of breast. Last evaluated: 2023-05-09. Review status: criteria provided, single submitter. Criteria: ACMG Guidelines, 2015. Collection method: clinical testing. Allele origin: unknown.

Ambry Genetics
Classification: Uncertain significance for Hereditary cancer-predisposing syndrome. Last evaluated: 2022-02-02. Review status: criteria provided, single submitter. Criteria: Ambry Variant Classification Scheme 2023. Collection method: clinical testing. Allele origin: germline.
Comment: The p.Y1844C variant (also known as c.5531A>G), located in coding exon 36 of the ATM gene, results from an A to G substitution at nucleotide position 5531. The tyrosine at codon 1844 is replaced by cysteine, an amino acid with highly dissimilar properties. This amino acid position is well conserved in available vertebrate species. In addition, this alteration is predicted to be deleterious by in silico analysis. Since supporting evidence is limited at this time, the clinical significance of this alteration remains unclear.

NM_000051.4(ATM):c.5531A>G (p.Tyr1844Cys)

Gene: ATM (ATM serine/threonine kinase; plus strand). Cytogenetic location: 11q22.3.
Variant type: single nucleotide variant.
Coding change: c.5531A>G on transcript NM_000051.4 (MANE Select); coding-DNA position 5531, A replaced by G.
Protein change: p.Tyr1844Cys; replaces tyrosine 1844 with cysteine.
Molecular consequence: missense variant.
Genome position (GRCh38, 1-based): chr11:108,304,709, A>G. VCF-style: chr11-108304709-A-G. GRCh37 (hg19) VCF-style: chr11-108175436-A-G.
Other names: c.5531A>G, p.Tyr1844Cys (NM_001351834.2); short protein forms Y1844C.
Identifiers: ClinVar variation 231021 (VCV000231021.8), dbSNP rs876658907, ClinGen allele CA10579185.